The following is an entry in ClinVar:

NM_003611.3(OFD1):c.2060C>T (p.Pro687Leu)

Gene: OFD1 (OFD1 centriole and centriolar satellite protein; plus strand). Cytogenetic location: Xp22.2.
Variant type: single nucleotide variant.
Coding change: c.2060C>T on transcript NM_003611.3 (MANE Select); coding-DNA position 2060, C replaced by T.
Protein change: p.Pro687Leu; replaces proline 687 with leucine.
Molecular consequence: missense variant.
Genome position (GRCh38, 1-based): chrX:13,760,520, C>T. VCF-style: chrX-13760520-C-T. GRCh37 (hg19) VCF-style: chrX-13778639-C-T.
Other names: c.1940C>T, p.Pro647Leu (NM_001330209.2); c.1640C>T, p.Pro547Leu (NM_001330210.2); short protein forms P687L, P547L, P647L.
Identifiers: ClinVar variation 376777 (VCV000376777.18), dbSNP rs146251034, ClinGen allele CA10351924.

ClinVar aggregate classification (germline): Conflicting classifications of pathogenicity. Review status: criteria provided, conflicting classifications (1 of 4 stars). 6 submissions from 6 submitters: Uncertain significance (1); Benign (1); Likely benign (2). 2 of the submissions do not count toward it. Last evaluated 2026-01-12.

Conditions:
History of neurodevelopmental disorder. Identifiers: MedGen C2711754.
Orofaciodigital syndrome I (OFD1). Also called: Papillon-Leage and Psaume Syndrome; Oral-Facial-Digital Syndrome Type I; OFDS I. Identifiers: Orphanet 2750, MedGen C1510460, MONDO:0010702, OMIM 311200.
Joubert syndrome. Also called: Familial aplasia of the vermis; JOUBERT-BOLTSHAUSER SYNDROME. Identifiers: Orphanet 475, MedGen C5979921, MONDO:0018772.

Allele frequency attached by ClinVar (database versions not stated): gnomAD 0.00013 and 0.00015; TOPMed 0.00014; gnomAD exomes 0.00016 and 0.00030; ExAC 0.00038; ESP Exome Variant Server 0.00038.
gnomAD v4.1: 187 of 1,168,685 alleles (0.016%); highest among the groups gnomAD compares: Middle Eastern, 0.048%; no homozygotes.

Submissions (6):

Labcorp Genetics (formerly Invitae), Labcorp
Classification: Benign for Orofaciodigital syndrome I; Joubert syndrome. Last evaluated: 2026-01-12. Review status: criteria provided, single submitter. Criteria: Invitae Variant Classification Sherloc (09022015). Collection method: clinical testing. Allele origin: germline.

Blueprint Genetics
Classification: Likely benign. Last evaluated: 2024-09-13. Review status: criteria provided, single submitter. Criteria: ACMG Guidelines, 2015. Collection method: clinical testing. Allele origin: germline.

Center for Pediatric Genomic Medicine, Children's Mercy Hospital and Clinics
Classification: Likely benign. Last evaluated: 2016-11-07. Review status: criteria provided, single submitter. Criteria: ACMG Guidelines, 2015. Collection method: clinical testing. Allele origin: germline.
ClinVar note: Converted during submission from Likely Benign to Likely benign.

Ambry Genetics
Classification: Uncertain significance for History of neurodevelopmental disorder. Last evaluated: 2012-08-30. Review status: criteria provided, single submitter. Criteria: Ambry Autosomal Dominant and X-Linked criteria (10/2015). Collection method: clinical testing. Allele origin: germline. Observed: 1 variant allele.
Comment: There is insufficient or conflicting evidence for classification of this alteration.

Clinical Genetics, Academic Medical Center
Classification: Likely benign. Review status: no assertion criteria provided. Collection method: clinical testing. Allele origin: germline. Affected: yes. Study: VKGL Data-share Consensus. Not counted in ClinVar's aggregate classification.

Genome Diagnostics Laboratory, University Medical Center Utrecht
Classification: Likely benign. Review status: no assertion criteria provided. Collection method: clinical testing. Allele origin: germline. Affected: yes. Study: VKGL Data-share Consensus. Not counted in ClinVar's aggregate classification.